The following is an entry in ClinVar:

NM_018117.12(WDR11):c.229A>G (p.Asn77Asp)

Gene: WDR11 (WD repeat domain 11; plus strand). Cytogenetic location: 10q26.12.
Variant type: single nucleotide variant.
Coding change: c.229A>G on transcript NM_018117.12 (MANE Select); coding-DNA position 229, A replaced by G.
Protein change: p.Asn77Asp; replaces asparagine 77 with aspartic acid.
Molecular consequence: missense variant.
Genome position (GRCh38, 1-based): chr10:120,858,673, A>G. VCF-style: chr10-120858673-A-G. GRCh37 (hg19) VCF-style: chr10-122618185-A-G.
Other names: short protein forms N77D.
Identifiers: ClinVar variation 2026962 (VCV002026962.4), dbSNP rs1224504208, ClinGen allele CA378317088.
Genomic context (GRCh38, chr10:120,858,673, plus strand): 5'-TTTACTTGATCTGATTTCTTCTTGATACAGGTTAAATGGGCCAGGGAAAACTATCACCAT[A>G]ACATTGGCTCACCATATTGCTTACGGTTAGCTTCTGCTGATGTCAATGGGAAGATCATCG-3'
Protein context (NP_060587.8, residues 67-87): VKWARENYHH[Asn77Asp]IGSPYCLRLA

ClinVar aggregate classification (germline): Uncertain significance (1 of 4 stars; one submission).

Allele frequency attached by ClinVar (database versions not stated): gnomAD 0.00001; TOPMed 0.00001.
gnomAD v4.1: 1 of 1,614,114 alleles (0.000062%); highest among the groups gnomAD compares: African/African-American, 0.0013%; no homozygotes.

Submission:

Labcorp Genetics (formerly Invitae), Labcorp
Classification: Uncertain significance. Last evaluated: 2022-08-24. Review status: criteria provided, single submitter. Criteria: Invitae Variant Classification Sherloc (09022015). Collection method: clinical testing. Allele origin: germline.
Comment: In summary, the available evidence is currently insufficient to determine the role of this variant in disease. Therefore, it has been classified as a Variant of Uncertain Significance. Algorithms developed to predict the effect of missense changes on protein structure and function (SIFT, PolyPhen-2, Align-GVGD) all suggest that this variant is likely to be tolerated. This variant has not been reported in the literature in individuals affected with WDR11-related conditions. This variant is not present in population databases (gnomAD no frequency). This sequence change replaces asparagine, which is neutral and polar, with aspartic acid, which is acidic and polar, at codon 77 of the WDR11 protein (p.Asn77Asp).